The following is an entry in ClinVar:

ClinVar aggregate classification (germline): Uncertain significance (1 of 4 stars; one submission).

Allele frequency attached by ClinVar (database versions not stated): gnomAD exomes below 0.00001; TOPMed below 0.00001.
gnomAD v4.1: 1 of 1,614,086 alleles (0.000062%); highest among the groups gnomAD compares: South Asian, 0.0011%; no homozygotes.

Submission:

Labcorp Genetics (formerly Invitae), Labcorp
Classification: Uncertain significance. Last evaluated: 2022-10-04. Review status: criteria provided, single submitter. Criteria: Invitae Variant Classification Sherloc (09022015). Collection method: clinical testing. Allele origin: germline.
Comment: In summary, the available evidence is currently insufficient to determine the role of this variant in disease. Therefore, it has been classified as a Variant of Uncertain Significance. Algorithms developed to predict the effect of missense changes on protein structure and function are either unavailable or do not agree on the potential impact of this missense change (SIFT: "Deleterious"; PolyPhen-2: "Probably Damaging"; Align-GVGD: "Class C0"). This variant has not been reported in the literature in individuals affected with C8B-related conditions. This variant is present in population databases (no rsID available, gnomAD 0.003%). This sequence change replaces cysteine, which is neutral and slightly polar, with tyrosine, which is neutral and polar, at codon 403 of the C8B protein (p.Cys403Tyr).

NM_000066.4(C8B):c.1208G>A (p.Cys403Tyr)

Gene: C8B (complement C8 beta chain; minus strand). Cytogenetic location: 1p32.2.
Variant type: single nucleotide variant.
Coding change: c.1208G>A on transcript NM_000066.4 (MANE Select); coding-DNA position 1208, G replaced by A.
Protein change: p.Cys403Tyr; replaces cysteine 403 with tyrosine.
Molecular consequence: missense variant.
Genome position (GRCh38, 1-based): chr1:56,943,722, C>T on the plus strand (G>A on the coding strand, the complement: C8B is on the minus strand). VCF-style: chr1-56943722-C-T. GRCh37 (hg19) VCF-style: chr1-57409395-C-T.
Other names: c.1052G>A, p.Cys351Tyr (NM_001278543.2); c.1022G>A, p.Cys341Tyr (NM_001278544.2); short protein forms C351Y, C341Y, C403Y.
Identifiers: ClinVar variation 2088588 (VCV002088588.4), dbSNP rs1211803363, ClinGen allele CA340524381.